The following is an entry in ClinVar:

NM_000400.4(ERCC2):c.741G>C (p.Met247Ile)

Gene: ERCC2 (ERCC excision repair 2, TFIIH core complex helicase subunit; minus strand). Cytogenetic location: 19q13.32.
Variant type: single nucleotide variant.
Coding change: c.741G>C on transcript NM_000400.4 (MANE Select); coding-DNA position 741, G replaced by C.
Protein change: p.Met247Ile; replaces methionine 247 with isoleucine.
Molecular consequence: missense variant.
Genome position (GRCh38, 1-based): chr19:45,364,309, C>G on the plus strand (G>C on the coding strand, the complement: ERCC2 is on the minus strand). VCF-style: chr19-45364309-C-G. GRCh37 (hg19) VCF-style: chr19-45867567-C-G.
Other names: c.669G>C, p.Met223Ile (NM_001130867.2); short protein forms M247I, M223I.
Identifiers: ClinVar variation 1758844 (VCV001758844.2), dbSNP rs1972342928, ClinGen allele CA406374200.

ClinVar aggregate classification (germline): Uncertain significance (1 of 4 stars; one submission).

Conditions:
Inborn genetic diseases. Identifiers: MedGen C0950123, MeSH D030342.

Allele frequency attached by ClinVar (database versions not stated): gnomAD exomes below 0.00001; TOPMed below 0.00001.
gnomAD v4.1: 1 of 1,614,030 alleles (0.000062%); highest among the groups gnomAD compares: Non-Finnish European, 0.000085%; no homozygotes.

Submission:

Ambry Genetics
Classification: Uncertain significance for Inborn genetic diseases. Last evaluated: 2021-06-30. Review status: criteria provided, single submitter. Criteria: Ambry Variant Classification Scheme 2023. Collection method: clinical testing. Allele origin: germline.
Comment: The p.M247I variant (also known as c.741G>C), located in coding exon 9 of the ERCC2 gene, results from a G to C substitution at nucleotide position 741. The methionine at codon 247 is replaced by isoleucine, an amino acid with highly similar properties. This amino acid position is conserved. In addition, this alteration is predicted to be deleterious by in silico analysis. Since supporting evidence is limited at this time, the clinical significance of this alteration remains unclear.